The following is an entry in ClinVar:

ClinVar aggregate classification (germline): Conflicting classifications of pathogenicity. Review status: criteria provided, conflicting classifications (1 of 4 stars). 7 submissions from 7 submitters: Uncertain significance (1); Benign (1); Likely benign (2). 3 of the submissions do not count toward it. Last evaluated 2026-01-26.

Conditions:
Niemann-Pick disease, type B. Also called: Chronic Visceral ASMD (Niemann-Pick Disease Type B; NPD-B). Identifiers: Orphanet 77293, MedGen C0268243, MONDO:0011871, OMIM 607616. Disease mechanism: loss of function.
Niemann-Pick disease, type A. Also called: SPHINGOMYELIN LIPIDOSIS; SPHINGOMYELINASE DEFICIENCY; Infantile Neurovisceral ASMD (Niemann-Pick Disease Type A; NPD-A). Identifiers: Orphanet 77292, MedGen C0268242, MONDO:0009756, OMIM 257200. Disease mechanism: loss of function.
SMPD1-related disorder. Also called: SMPD1-related condition.
Inborn genetic diseases. Identifiers: MedGen C0950123, MeSH D030342.

Allele frequency attached by ClinVar (database versions not stated): gnomAD 0.00001 and 0.00011; gnomAD exomes 0.00058; ExAC 0.00074; 1000 Genomes Project 30x 0.00141; 1000 Genomes Project 0.00180.

Submissions (7):

Labcorp Genetics (formerly Invitae), Labcorp
Classification: Benign for Niemann-Pick disease, type B; Niemann-Pick disease, type A. Last evaluated: 2026-01-26. Review status: criteria provided, single submitter. Criteria: Invitae Variant Classification Sherloc (09022015). Collection method: clinical testing. Allele origin: germline.

Ambry Genetics
Classification: Likely benign for Inborn genetic diseases. Last evaluated: 2022-11-19. Review status: criteria provided, single submitter. Criteria: Ambry Variant Classification Scheme 2023. Collection method: clinical testing. Allele origin: germline.

Eurofins Ntd Llc (ga)
Classification: Likely benign. Last evaluated: 2017-07-10. Review status: criteria provided, single submitter. Criteria: EGL Classification Definitions 2015. Collection method: clinical testing. Allele origin: germline. Observed: 1 variant allele, 1 heterozygote.

Illumina Laboratory Services, Illumina
Classification: Uncertain significance for Niemann-Pick disease, type A. Last evaluated: 2017-04-27. Review status: criteria provided, single submitter. Criteria: ICSL Variant Classification Criteria 13 December 2019. Collection method: clinical testing. Allele origin: germline.

PreventionGenetics, part of Exact Sciences
Classification: Likely benign for SMPD1-related condition. Last evaluated: 2022-03-28. Review status: no assertion criteria provided. Collection method: clinical testing. Allele origin: germline. Not counted in ClinVar's aggregate classification.
Comment: This variant is classified as likely benign based on ACMG/AMP sequence variant interpretation guidelines (Richards et al. 2015 PMID: 25741868, with internal and published modifications).

Natera, Inc.
Classification: Benign for Niemann-Pick Disease, Types A/B. Last evaluated: 2017-05-08. Review status: no assertion criteria provided. Collection method: clinical testing. Allele origin: germline. Not counted in ClinVar's aggregate classification.

Department of Pathology and Laboratory Medicine, Sinai Health System
Classification: Uncertain significance. Review status: no assertion criteria provided. Collection method: clinical testing. Allele origin: unknown. Affected: yes. Study: The Canadian Open Genetics Repository (COGR). Not counted in ClinVar's aggregate classification.
Comment: The SMPD1 p.Pro28Leu variant was not identified in the literature but was identified in dbSNP (ID: rs556155962) and ClinVar (classified as likely benign by EGL Genetics). The variant was identified in control databases in 143 of 275324 chromosomes (2 homozygous) at a frequency of 0.0005194 increasing the likelihood this could be a low frequency benign variant (Genome Aggregation Database March 6, 2019, v2.1.1). The variant was observed in the following populations: South Asian in 140 of 30476 chromosomes (freq: 0.004594), Other in 1 of 7038 chromosomes (freq: 0.000142), African in 1 of 23448 chromosomes (freq: 0.000043) and Latino in 1 of 35150 chromosomes (freq: 0.000028), but was not observed in the Ashkenazi Jewish, East Asian, European (Finnish), or European (non-Finnish) populations. The p.Pro28 residue is conserved in mammals but not in more distantly related organisms however four out of five computational analyses (PolyPhen-2, SIFT, AlignGVGD, BLOSUM, MutationTaster) do not suggest a high likelihood of impact to the protein; this information is not predictive enough to rule out pathogenicity. The variant occurs outside of the splicing consensus sequence and in silico or computational prediction software programs (SpliceSiteFinder, MaxEntScan, NNSPLICE, GeneSplicer) do not predict a difference in splicing. In summary, based on the above information the clinical significance of this variant cannot be determined with certainty at this time. This variant is classified as a variant of uncertain significance.

NM_000543.5(SMPD1):c.83C>T (p.Pro28Leu)

Genes: SMPD1 (sphingomyelin phosphodiesterase 1; plus strand), LOC130005193 (ATAC-STARR-seq lymphoblastoid silent region 3099; plus strand). Cytogenetic location: 11p15.4.
Variant type: single nucleotide variant.
Coding change: c.83C>T on transcript NM_000543.5 (MANE Select); coding-DNA position 83, C replaced by T.
Protein change: p.Pro28Leu; replaces proline 28 with leucine.
Molecular consequence: missense variant. On other transcripts: 5 prime UTR variant (1), non-coding transcript variant (2).
Genome position (GRCh38, 1-based): chr11:6,390,681, C>T. VCF-style: chr11-6390681-C-T. GRCh37 (hg19) VCF-style: chr11-6411911-C-T.
Other names: c.83C>T, p.Pro28Leu (NM_001007593.3, NM_001318087.2, NM_001365135.2); c.-879C>T (NM_001318088.2); short protein forms P28L.
Identifiers: ClinVar variation 593169 (VCV000593169.28), dbSNP rs556155962, ClinGen allele CA5852469.
Genomic context (GRCh38, chr11:6,390,681, plus strand): 5'-TCCGCCAGAGCTGCCCCAGGTCCGGCCGGGAGCAGGGACAAGACGGGACCGCCGGAGCCC[C>T]CGGACTCCTTTGGATGGGCCTGGTGCTGGCGCTGGCGCTGGCGCTGGCGCTGGCGCTGGC-3'
Protein context (NP_000534.3, residues 18-38): EQGQDGTAGA[Pro28Leu]GLLWMGLVLA